The following is an entry in ClinVar:

NM_006466.4(POLR3F):c.301G>A (p.Asp101Asn)

Gene: POLR3F (RNA polymerase III subunit F; plus strand). Cytogenetic location: 20p11.23.
Variant type: single nucleotide variant.
Coding change: c.301G>A on transcript NM_006466.4 (MANE Select); coding-DNA position 301, G replaced by A.
Protein change: p.Asp101Asn; replaces aspartic acid 101 with asparagine.
Molecular consequence: missense variant. On other transcripts: non-coding transcript variant (1).
Genome position (GRCh38, 1-based): chr20:18,473,443, G>A. VCF-style: chr20-18473443-G-A. GRCh37 (hg19) VCF-style: chr20-18454087-G-A.
Other names: c.178G>A, p.Asp60Asn (NM_001282526.2); c.301G>A, p.Asp101Asn (NM_001410821.1); c.301G>A (NM_006466.2); short protein forms D60N, D101N.
Identifiers: ClinVar variation 2094360 (VCV002094360.5), dbSNP rs769709037, ClinGen allele CA9777495.

ClinVar aggregate classification (germline): Uncertain significance. Review status: criteria provided, multiple submitters, no conflicts (2 of 4 stars). 2 submissions from 2 submitters: Uncertain significance (2). Last evaluated 2025-09-05.

Allele frequency attached by ClinVar (database versions not stated): TOPMed 0.00004; ExAC 0.00006; gnomAD 0.00007; gnomAD exomes 0.00004.
gnomAD v4.1: 59 of 1,481,810 alleles (0.004%); highest among the groups gnomAD compares: Middle Eastern, 0.017%; no homozygotes.

Submissions (2):

Ambry Genetics
Classification: Uncertain significance. Last evaluated: 2025-09-05. Review status: criteria provided, single submitter. Criteria: Ambry Variant Classification Scheme 2023. Collection method: clinical testing. Allele origin: germline.

Labcorp Genetics (formerly Invitae), Labcorp
Classification: Uncertain significance. Last evaluated: 2025-02-06. Review status: criteria provided, single submitter. Criteria: Invitae Variant Classification Sherloc (09022015). Collection method: clinical testing. Allele origin: germline.
Comment: This sequence change replaces aspartic acid, which is acidic and polar, with asparagine, which is neutral and polar, at codon 60 of the POLR3F protein (p.Asp60Asn). This variant is present in population databases (rs769709037, gnomAD 0.01%). This variant has not been reported in the literature in individuals affected with POLR3F-related conditions. ClinVar contains an entry for this variant (Variation ID: 2094360). Experimental studies and prediction algorithms are not available or were not evaluated, and the functional significance of this variant is currently unknown. In summary, the available evidence is currently insufficient to determine the role of this variant in disease. Therefore, it has been classified as a Variant of Uncertain Significance.